The following is an entry in ClinVar:

ClinVar aggregate classification (germline): Conflicting classifications of pathogenicity. Review status: criteria provided, conflicting classifications (1 of 4 stars). 4 submissions from 4 submitters: Uncertain significance (3); Likely benign (1). Last evaluated 2025-05-09.

Conditions:
Fanconi anemia (FA). Also called: Fanconi's anemia. Identifiers: Orphanet 84, MedGen C0015625, MeSH D005199, MONDO:0019391.
Inborn genetic diseases. Identifiers: MedGen C0950123, MeSH D030342.

Allele frequency attached by ClinVar (database versions not stated): ExAC 0.00001; gnomAD 0.00001; 1000 Genomes Project 30x 0.00016; 1000 Genomes Project 0.00020.
gnomAD v4.1: 7 of 1,603,334 alleles (0.00044%); highest among the groups gnomAD compares: Middle Eastern, 0.034%; no homozygotes.

Submissions (4):

Ambry Genetics
Classification: Likely benign for Inborn genetic diseases. Last evaluated: 2025-05-09. Review status: criteria provided, single submitter. Criteria: Ambry Variant Classification Scheme 2023. Collection method: clinical testing. Allele origin: germline.

Quest Diagnostics Nichols Institute San Juan Capistrano
Classification: Uncertain significance. Last evaluated: 2023-08-11. Review status: criteria provided, single submitter. Criteria: Quest Diagnostics criteria. Collection method: clinical testing. Allele origin: unknown.
Comment: This variant has not been reported in individuals with FANCM-related conditions in the published literature. In a breast cancer case-control study, the variant has only been observed in an unaffected control (PMID: 33471991 (2021), see also LOVD). It also has not been reported in large, multi-ethnic general populations (Genome Aggregation Database). Analysis of this variant using bioinformatics tools for the prediction of the effect of amino acid changes on protein structure and function yielded predictions that this variant is benign. Based on the available information, we are unable to determine the clinical significance of this variant.

Labcorp Genetics (formerly Invitae), Labcorp
Classification: Uncertain significance for Fanconi anemia. Last evaluated: 2022-08-05. Review status: criteria provided, single submitter. Criteria: Invitae Variant Classification Sherloc (09022015). Collection method: clinical testing. Allele origin: germline.
Comment: This variant has not been reported in the literature in individuals affected with FANCM-related conditions. This sequence change replaces arginine, which is basic and polar, with histidine, which is basic and polar, at codon 422 of the FANCM protein (p.Arg422His). This variant is not present in population databases (gnomAD no frequency). In summary, the available evidence is currently insufficient to determine the role of this variant in disease. Therefore, it has been classified as a Variant of Uncertain Significance. Algorithms developed to predict the effect of missense changes on protein structure and function output the following: SIFT: "Tolerated"; PolyPhen-2: "Benign"; Align-GVGD: "Class C0". The histidine amino acid residue is found in multiple mammalian species, which suggests that this missense change does not adversely affect protein function. ClinVar contains an entry for this variant (Variation ID: 1314229).

GeneDx
Classification: Uncertain significance. Last evaluated: 2021-03-24. Review status: criteria provided, single submitter. Criteria: GeneDx Variant Classification Process June 2021. Collection method: clinical testing. Allele origin: germline. Affected: yes.
Comment: In silico analysis supports that this missense variant does not alter protein structure/function; Has not been previously published as pathogenic or benign to our knowledge

Literature cited by the submitters: PubMed 33471991 (cited by Quest Diagnostics Nichols Institute San Juan Capistrano).

NM_020937.4(FANCM):c.1265G>A (p.Arg422His)

Gene: FANCM (FA complementation group M; plus strand). Cytogenetic location: 14q21.2.
Variant type: single nucleotide variant.
Coding change: c.1265G>A on transcript NM_020937.4 (MANE Select); coding-DNA position 1265, G replaced by A.
Protein change: p.Arg422His; replaces arginine 422 with histidine.
Molecular consequence: missense variant.
Genome position (GRCh38, 1-based): chr14:45,154,778, G>A. VCF-style: chr14-45154778-G-A. GRCh37 (hg19) VCF-style: chr14-45623981-G-A.
Other names: c.1265G>A (NM_020937.3); c.1187G>A, p.Arg396His (NM_001308133.2); c.1265G>A, p.Arg422His (NM_001308134.2); short protein forms R396H, R422H.
Identifiers: ClinVar variation 1314229 (VCV001314229.8), dbSNP rs570510177, ClinGen allele CA7168980.
Genomic context (GRCh38, chr14:45,154,778, plus strand): 5'-AACTTGGCCGAAATGAAGACTTCATGAAACTCTATAATCATCTAGAGTGTATGTTTGCAC[G>A]TACACGTAGTACTTCAGCAAATGGTATTTCTGCTATCCAACAAGGTCTGGTTTTTCTTTT-3'
Protein context (NP_065988.1, residues 412-432): LYNHLECMFA[Arg422His]TRSTSANGIS